The following is an entry in ClinVar:

NM_138387.4(G6PC3):c.796C>T (p.His266Tyr)

Gene: G6PC3 (glucose-6-phosphatase catalytic subunit 3; plus strand). Cytogenetic location: 17q21.31.
Variant type: single nucleotide variant.
Coding change: c.796C>T on transcript NM_138387.4 (MANE Select); coding-DNA position 796, C replaced by T.
Protein change: p.His266Tyr; replaces histidine 266 with tyrosine.
Molecular consequence: missense variant. On other transcripts: 3 prime UTR variant (1).
Genome position (GRCh38, 1-based): chr17:44,075,798, C>T. VCF-style: chr17-44075798-C-T. GRCh37 (hg19) VCF-style: chr17-42153166-C-T.
Other names: c.451C>T, p.His151Tyr (NM_001384166.1, NM_001384167.1, NM_001384168.1 and 1 more transcripts); c.*89C>T (NM_001319945.2); short protein forms H151Y, H266Y.
Identifiers: ClinVar variation 4825567 (VCV004825567.1).

ClinVar aggregate classification (germline): Uncertain significance (1 of 4 stars; one submission).

Conditions:
Inborn genetic diseases. Identifiers: MedGen C0950123, MeSH D030342.

Submission:

Ambry Genetics
Classification: Uncertain significance for Inborn genetic diseases. Last evaluated: 2026-01-18. Review status: criteria provided, single submitter. Criteria: Ambry Variant Classification Scheme 2023. Collection method: clinical testing. Allele origin: germline.
Comment: The p.H266Y variant (also known as c.796C>T), located in coding exon 6 of the G6PC3 gene, results from a C to T substitution at nucleotide position 796. The histidine at codon 266 is replaced by tyrosine, an amino acid with similar properties. This amino acid position is conserved. In addition, this alteration is predicted to be tolerated by in silico analysis. Based on the available evidence, the clinical significance of this variant remains unclear.